The following is an entry in ClinVar:

ClinVar aggregate classification (germline): Uncertain significance (1 of 4 stars; one submission).

Conditions:
Parathyroid carcinoma (PRTC). Also called: Parathyroid gland carcinoma; CDC73-Related Parathyroid Carcinoma. Identifiers: Orphanet 143, MedGen C0687150, MONDO:0012004, OMIM 608266, HP:0006780.

Submission:

Labcorp Genetics (formerly Invitae), Labcorp
Classification: Uncertain significance for Parathyroid carcinoma. Last evaluated: 2025-06-03. Review status: criteria provided, single submitter. Criteria: Invitae Variant Classification Sherloc (09022015). Collection method: clinical testing. Allele origin: germline.
Comment: This sequence change replaces valine, which is neutral and non-polar, with alanine, which is neutral and non-polar, at codon 85 of the CDC73 protein (p.Val85Ala). This variant is not present in population databases (gnomAD no frequency). This variant has not been reported in the literature in individuals affected with CDC73-related conditions. Invitae Evidence Modeling of protein sequence and biophysical properties (such as structural, functional, and spatial information, amino acid conservation, physicochemical variation, residue mobility, and thermodynamic stability) indicates that this missense variant is not expected to disrupt CDC73 protein function with a negative predictive value of 80%. In summary, the available evidence is currently insufficient to determine the role of this variant in disease. Therefore, it has been classified as a Variant of Uncertain Significance.

NM_024529.5(CDC73):c.254T>C (p.Val85Ala)

Gene: CDC73 (cell division cycle 73; plus strand). Cytogenetic location: 1q31.2.
Variant type: single nucleotide variant.
Coding change: c.254T>C on transcript NM_024529.5 (MANE Select); coding-DNA position 254, T replaced by C.
Protein change: p.Val85Ala; replaces valine 85 with alanine.
Molecular consequence: missense variant.
Genome position (GRCh38, 1-based): chr1:193,130,190, T>C. VCF-style: chr1-193130190-T-C. GRCh37 (hg19) VCF-style: chr1-193099320-T-C.
Other names: short protein forms V85A.
Identifiers: ClinVar variation 4743983 (VCV004743983.1).